The following is an entry in ClinVar:

NM_014855.3(AP5Z1):c.498C>T (p.Gly166=)

Gene: AP5Z1 (adaptor related protein complex 5 subunit zeta 1; plus strand). Cytogenetic location: 7p22.1.
Variant type: single nucleotide variant.
Coding change: c.498C>T on transcript NM_014855.3 (MANE Select); coding-DNA position 498, C replaced by T.
Protein change: p.Gly166=; no amino-acid change (glycine 166 retained).
Molecular consequence: synonymous variant. On other transcripts: non-coding transcript variant (1).
Genome position (GRCh38, 1-based): chr7:4,783,447, C>T. VCF-style: chr7-4783447-C-T. GRCh37 (hg19) VCF-style: chr7-4823078-C-T.
Other names: c.30C>T, p.Gly10= (NM_001364858.1).
Identifiers: ClinVar variation 3035378 (VCV003035378.2), dbSNP rs1781440365, ClinGen allele CA453629956.

ClinVar aggregate classification (germline): Likely benign (0 of 4 stars; one submission).

Conditions:
AP5Z1-related disorder. Also called: AP5Z1-related condition.

Allele frequency attached by ClinVar (database versions not stated): TOPMed below 0.00001.
gnomAD v4.1: 1 of 1,612,588 alleles (0.000062%); highest among the groups gnomAD compares: Non-Finnish European, 0.000085%; no homozygotes.

Submission:

PreventionGenetics, part of Exact Sciences
Classification: Likely benign for AP5Z1-related condition. Last evaluated: 2019-08-08. Review status: no assertion criteria provided. Collection method: clinical testing. Allele origin: germline.
Comment: This variant is classified as likely benign based on ACMG/AMP sequence variant interpretation guidelines (Richards et al. 2015 PMID: 25741868, with internal and published modifications).